The following is an entry in ClinVar:

ClinVar aggregate classification (germline): Uncertain significance (1 of 4 stars; one submission).

Allele frequency attached by ClinVar (database versions not stated): gnomAD exomes below 0.00001 and 0.00002; TOPMed below 0.00001.
gnomAD v4.1: 6 of 1,613,636 alleles (0.00037%); highest among the groups gnomAD compares: Admixed American, 0.0033%; no homozygotes.

Submission:

Labcorp Genetics (formerly Invitae), Labcorp
Classification: Uncertain significance. Last evaluated: 2025-11-22. Review status: criteria provided, single submitter. Criteria: Invitae Variant Classification Sherloc (09022015). Collection method: clinical testing. Allele origin: germline.
Comment: This sequence change replaces proline, which is neutral and non-polar, with leucine, which is neutral and non-polar, at codon 2911 of the SPEG protein (p.Pro2911Leu). This variant is present in population databases (no rsID available, gnomAD 0.009%). This variant has not been reported in the literature in individuals affected with SPEG-related conditions. ClinVar contains an entry for this variant (Variation ID: 1440552). An algorithm developed to predict the effect of missense changes on protein structure and function (PolyPhen-2) suggests that this variant is likely to be disruptive. In summary, the available evidence is currently insufficient to determine the role of this variant in disease. Therefore, it has been classified as a Variant of Uncertain Significance.

NM_005876.5(SPEG):c.8732C>T (p.Pro2911Leu)

Genes: ASIC4-AS1 (ASIC4 antisense RNA 1; minus strand), SPEG (striated muscle enriched protein kinase; plus strand). Cytogenetic location: 2q35.
Variant type: single nucleotide variant.
Coding change: c.8732C>T on transcript NM_005876.5 (MANE Select); coding-DNA position 8732, C replaced by T.
Protein change: p.Pro2911Leu; replaces proline 2911 with leucine.
Molecular consequence: missense variant.
Genome position (GRCh38, 1-based): chr2:219,489,750, C>T. VCF-style: chr2-219489750-C-T. GRCh37 (hg19) VCF-style: chr2-220354472-C-T.
Other names: short protein forms P2911L.
Identifiers: ClinVar variation 1440552 (VCV001440552.6), dbSNP rs868868258, ClinGen allele CA65999138.